The following is an entry in ClinVar:

NM_021830.5(TWNK):c.1827C>A (p.Arg609=)

Gene: TWNK (twinkle mtDNA helicase; plus strand). Cytogenetic location: 10q24.31.
Variant type: single nucleotide variant.
Coding change: c.1827C>A on transcript NM_021830.5 (MANE Select); coding-DNA position 1827, C replaced by A.
Protein change: p.Arg609=; no amino-acid change (arginine 609 retained).
Molecular consequence: synonymous variant. On other transcripts: 3 prime UTR variant (2), non-coding transcript variant (5).
Genome position (GRCh38, 1-based): chr10:100,993,282, C>A. VCF-style: chr10-100993282-C-A. GRCh37 (hg19) VCF-style: chr10-102753039-C-A.
Other names: c.*122C>A (NM_001163812.2, NM_001163814.2); c.465C>A, p.Arg155= (NM_001163813.2, NM_001368275.1).
Identifiers: ClinVar variation 197845 (VCV000197845.33), dbSNP rs146601680, ClinGen allele CA246213.

ClinVar aggregate classification (germline): Conflicting classifications of pathogenicity. Review status: criteria provided, conflicting classifications (1 of 4 stars). 3 submissions from 3 submitters: Uncertain significance (1); Likely benign (2). Last evaluated 2025-11-01.

Allele frequency attached by ClinVar (database versions not stated): gnomAD 0.00004 and 0.00007; ESP Exome Variant Server 0.00008; TOPMed 0.00008.
gnomAD v4.1: 128 of 1,614,072 alleles (0.0079%); highest among the groups gnomAD compares: Non-Finnish European, 0.01%; no homozygotes.

Submissions (3):

CeGaT Center for Human Genetics Tuebingen
Classification: Likely benign. Last evaluated: 2025-11-01. Review status: criteria provided, single submitter. Criteria: CeGaT Center For Human Genetics Tuebingen Variant Classification Criteria Version 2. Collection method: clinical testing. Allele origin: germline. Affected: yes. Observed: 2 variant alleles.
Comment: TWNK: BP4, BP7

Labcorp Genetics (formerly Invitae), Labcorp
Classification: Likely benign. Last evaluated: 2025-10-12. Review status: criteria provided, single submitter. Criteria: Invitae Variant Classification Sherloc (09022015). Collection method: clinical testing. Allele origin: germline.

Eurofins Ntd Llc (ga)
Classification: Uncertain significance. Last evaluated: 2015-05-04. Review status: criteria provided, single submitter. Criteria: EGL Classification Definitions 2015. Collection method: clinical testing. Allele origin: germline. Observed: 1 variant allele, 1 heterozygote.